The following is an entry in ClinVar:

NM_004612.4(TGFBR1):c.516A>G (p.Ser172=)

Gene: TGFBR1 (transforming growth factor beta receptor 1; plus strand). Cytogenetic location: 9q22.33.
Variant type: single nucleotide variant.
Coding change: c.516A>G on transcript NM_004612.4 (MANE Select); coding-DNA position 516, A replaced by G.
Protein change: p.Ser172=; no amino-acid change (serine 172 retained).
Molecular consequence: synonymous variant. On other transcripts: intron variant (1).
Genome position (GRCh38, 1-based): chr9:99,132,681, A>G. VCF-style: chr9-99132681-A-G. GRCh37 (hg19) VCF-style: chr9-101894963-A-G.
Other names: c.516A>G (NM_004612.2, NM_004612.3); c.528A>G, p.Ser176= (NM_001306210.2); c.343+3581A>G (NM_001130916.3).
Identifiers: ClinVar variation 1081254 (VCV001081254.42), dbSNP rs140245968, ClinGen allele CA042211.

ClinVar aggregate classification (germline): Conflicting classifications of pathogenicity. Review status: criteria provided, conflicting classifications (1 of 4 stars). 9 submissions from 9 submitters: Uncertain significance (1); Likely benign (7). 1 of the submissions does not count toward it. Last evaluated 2026-01-28.

Conditions:
TGFBR1-related disorder. Also called: TGFBR1-related condition.
Familial thoracic aortic aneurysm and aortic dissection (TAAD). Also called: Thoracic aortic aneurysms and dissections. Identifiers: Orphanet 91387, MedGen C4707243, MONDO:0019625.
Multiple self-healing squamous epithelioma (MSSE). Also called: MULTIPLE SELF-HEALING SQUAMOUS EPITHELIOMA, SUSCEPTIBILITY TO. Identifiers: Orphanet 65748, MedGen C0546476, MONDO:0007566, OMIM 132800.
Loeys-Dietz syndrome 1 (LDS1). Also called: FURLONG SYNDROME; AORTIC ANEURYSM, FAMILIAL THORACIC 5; TGFBR1-Related Loeys-Dietz Syndrome. Identifiers: Orphanet 60030, MedGen C4551955, MONDO:0012212, OMIM 609192.
Loeys-Dietz syndrome (LDS). Identifiers: Orphanet 60030, MedGen C2697932, MONDO:0018954.

Allele frequency attached by ClinVar (database versions not stated): TOPMed 0.00001; ExAC 0.00002; gnomAD 0.00002; gnomAD exomes 0.00002 and 0.00003; ESP Exome Variant Server 0.00008.
gnomAD v4.1: 40 of 1,614,040 alleles (0.0025%); highest among the groups gnomAD compares: Middle Eastern, 0.033%; no homozygotes.

Submissions (9):

Labcorp Genetics (formerly Invitae), Labcorp
Classification: Likely benign for Familial thoracic aortic aneurysm and aortic dissection. Last evaluated: 2026-01-28. Review status: criteria provided, single submitter. Criteria: Invitae Variant Classification Sherloc (09022015). Collection method: clinical testing. Allele origin: germline.

Women's Health and Genetics/Laboratory Corporation of America, LabCorp
Classification: Likely benign. Last evaluated: 2024-08-11. Review status: criteria provided, single submitter. Criteria: LabCorp Variant Classification Summary - May 2015. Collection method: clinical testing. Allele origin: germline.

Blueprint Genetics
Classification: Likely benign. Last evaluated: 2024-04-15. Review status: criteria provided, single submitter. Criteria: ACMG Guidelines, 2015. Collection method: clinical testing. Allele origin: germline.

CeGaT Center for Human Genetics Tuebingen
Classification: Likely benign. Last evaluated: 2024-03-01. Review status: criteria provided, single submitter. Criteria: CeGaT Center For Human Genetics Tuebingen Variant Classification Criteria Version 2. Collection method: clinical testing. Allele origin: germline. Affected: yes. Observed: 1 variant allele.
Comment: TGFBR1: BP4, BP7

All of Us Research Program, National Institutes of Health
Classification: Likely benign for Loeys-Dietz syndrome. Last evaluated: 2024-02-05. Review status: criteria provided, single submitter. Criteria: ACMG Guidelines, 2015. Collection method: clinical testing. Allele origin: germline. Inheritance: Autosomal dominant inheritance. Observed: 7 variant alleles, 7 heterozygotes.
Comment: This synonymous variant does not change the amino acid sequence of the TGFBR1 protein. Splice site prediction tools suggest that this variant may not impact RNA splicing. To our knowledge, functional studies have not been reported for this variant. This variant has been reported in an individual affected with chronic heart failure (PMID: 25715477). This variant has also been identified in 9/282414 chromosomes in the general population by the Genome Aggregation Database (gnomAD). The available evidence is insufficient to determine the role of this variant in disease conclusively. Therefore, this variant is classified as a Variant of Uncertain Significance.

This study involves interpretation of variants in research participants for the purpose of population health screening. Participant phenotype was not available at the time of variant classification. Additional details can be found in publication PMID: 35346344, PMCID: PMC8962531

Ambry Genetics
Classification: Likely benign for Familial thoracic aortic aneurysm and aortic dissection. Last evaluated: 2023-05-15. Review status: criteria provided, single submitter. Criteria: Ambry Variant Classification Scheme 2023. Collection method: clinical testing. Allele origin: germline.

Color Diagnostics, LLC DBA Color Health
Classification: Likely benign for Familial thoracic aortic aneurysm and aortic dissection. Last evaluated: 2022-10-19. Review status: criteria provided, single submitter. Criteria: ACMG Guidelines, 2015. Collection method: clinical testing. Allele origin: germline.

Center for Genomics, Ann and Robert H. Lurie Children's Hospital of Chicago
Classification: Uncertain significance for Loeys-Dietz syndrome 1; Multiple self-healing squamous epithelioma. Review status: criteria provided, single submitter. Criteria: ACMG Guidelines, 2015. Collection method: clinical testing. Allele origin: germline.
Comment: TGFBR1 NM_004612.4 exon 3 p.Ser172= (c.516A>G): This variant has been reported in the literature in at least 1 individual with chronic heart failure (Husainova 2014 PMID:25715477). This variant is present in 0.004% (3/68038) of European alleles in the Genome Aggregation Database. This variant is present in ClinVar (Variation ID:1081254). Evolutionary conservation and computational predictive tools for this variant are limited or unavailable. Of note, this variant is a silent variant and does not change the amino acid, reducing the probability that this variant is disease causing. In summary, data on this variant is insufficient for disease classification. Therefore, the clinical significance of this variant is uncertain.

PreventionGenetics, part of Exact Sciences
Classification: Likely benign for TGFBR1-related condition. Last evaluated: 2019-09-20. Review status: no assertion criteria provided. Collection method: clinical testing. Allele origin: germline. Not counted in ClinVar's aggregate classification.
Comment: This variant is classified as likely benign based on ACMG/AMP sequence variant interpretation guidelines (Richards et al. 2015 PMID: 25741868, with internal and published modifications).

Literature cited by the submitters: PubMed 25715477 (cited by All of Us Research Program, National Institutes of Health).